The following is an entry in ClinVar:

NM_000053.4(ATP7B):c.3157C>A (p.Leu1053Ile)

Gene: ATP7B (ATPase copper transporting beta; minus strand). Cytogenetic location: 13q14.3.
Variant type: single nucleotide variant.
Coding change: c.3157C>A on transcript NM_000053.4 (MANE Select); coding-DNA position 3157, C replaced by A.
Protein change: p.Leu1053Ile; replaces leucine 1053 with isoleucine.
Molecular consequence: missense variant. On other transcripts: intron variant (1).
Genome position (GRCh38, 1-based): chr13:51,944,195, G>T on the plus strand (C>A on the coding strand, the complement: ATP7B is on the minus strand). VCF-style: chr13-51944195-G-T. GRCh37 (hg19) VCF-style: chr13-52518331-G-T.
Other names: c.3151C>A, p.Leu1051Ile (NM_001406513.1); c.3124C>A, p.Leu1042Ile (NM_001406514.1); c.3103C>A, p.Leu1035Ile (NM_001406515.1, NM_001406516.1); c.3061C>A, p.Leu1021Ile (NM_001406517.1, NM_001406518.1); c.3022C>A, p.Leu1008Ile (NM_001406519.1); c.3013C>A, p.Leu1005Ile (NM_001406520.1, NM_001406521.1, NM_001406522.1); c.2980C>A, p.Leu994Ile (NM_001406524.1); c.2962C>A, p.Leu988Ile (NM_001406525.1); and 19 more; short protein forms L1005I, L1008I, L1021I, L1035I, L1042I, L1051I, L1053I, L623I.
Identifiers: ClinVar variation 4756279 (VCV004756279.1).

ClinVar aggregate classification (germline): Uncertain significance (1 of 4 stars; one submission).

Conditions:
Wilson disease (WND). Also called: Wilson's disease. Identifiers: Orphanet 905, MedGen C0019202, MONDO:0010200, OMIM 277900. Disease mechanism: loss of function.

Submission:

Color Diagnostics, LLC DBA Color Health
Classification: Uncertain significance for Wilson disease. Last evaluated: 2025-08-30. Review status: criteria provided, single submitter. Criteria: ACMG Guidelines, 2015. Collection method: clinical testing. Allele origin: germline.
Comment: This missense variant replaces leucine with isoleucine at codon 1053 of the ATP7B protein. Computational prediction suggests that this variant may not impact protein structure and function. To our knowledge, functional studies have not been reported for this variant. This variant has not been reported in individuals affected with ATP7B-related disorders in the literature. This variant has not been identified in the general population by the Genome Aggregation Database (gnomAD). The available evidence is insufficient to determine the role of this variant in disease conclusively. Therefore, this variant is classified as a Variant of Uncertain Significance.